The following is an entry in ClinVar:

ClinVar aggregate classification (germline): Likely benign. Review status: criteria provided, multiple submitters, no conflicts (2 of 4 stars). 4 submissions from 4 submitters: Likely benign (4). Last evaluated 2025-09-08.

Conditions:
LRP2-related disorder. Also called: LRP2-related condition.

Allele frequency attached by ClinVar (database versions not stated): ExAC 0.00001; gnomAD exomes 0.00003; TOPMed 0.00003; gnomAD 0.00005.
gnomAD v4.1: 57 of 1,613,560 alleles (0.0035%); highest among the groups gnomAD compares: Admixed American, 0.005%; no homozygotes.

Submissions (4):

PreventionGenetics, part of Exact Sciences
Classification: Likely benign for LRP2-related condition. Last evaluated: 2025-09-08. Review status: criteria provided, single submitter. Criteria: ACMG Guidelines, 2015. Collection method: clinical testing. Allele origin: germline.
Comment: This variant is classified as likely benign based on ACMG/AMP sequence variant interpretation guidelines (Richards et al. 2015 PMID: 25741868, with internal and published modifications).

CeGaT Center for Human Genetics Tuebingen
Classification: Likely benign. Last evaluated: 2025-04-01. Review status: criteria provided, single submitter. Criteria: CeGaT Center For Human Genetics Tuebingen Variant Classification Criteria Version 2. Collection method: clinical testing. Allele origin: germline. Affected: yes. Observed: 2 variant alleles.
Comment: LRP2: BP4, BP7

Labcorp Genetics (formerly Invitae), Labcorp
Classification: Likely benign. Last evaluated: 2024-11-18. Review status: criteria provided, single submitter. Criteria: Invitae Variant Classification Sherloc (09022015). Collection method: clinical testing. Allele origin: germline.

Blueprint Genetics
Classification: Likely benign. Last evaluated: 2018-05-24. Review status: criteria provided, single submitter. Criteria: ACMG Guidelines, 2015. Collection method: clinical testing. Allele origin: germline.

NM_004525.3(LRP2):c.5886C>T (p.His1962=)

Gene: LRP2 (LDL receptor related protein 2; minus strand). Cytogenetic location: 2q31.1.
Variant type: single nucleotide variant.
Coding change: c.5886C>T on transcript NM_004525.3 (MANE Select); coding-DNA position 5886, C replaced by T.
Protein change: p.His1962=; no amino-acid change (histidine 1962 retained).
Molecular consequence: synonymous variant.
Genome position (GRCh38, 1-based): chr2:169,213,811, G>A on the plus strand (C>T on the coding strand, the complement: LRP2 is on the minus strand). VCF-style: chr2-169213811-G-A. GRCh37 (hg19) VCF-style: chr2-170070321-G-A.
Other names: c.5886C>T (NM_004525.2).
Identifiers: ClinVar variation 2161364 (VCV002161364.30), dbSNP rs529388965, ClinGen allele CA1954411.